The following is an entry in ClinVar:

ClinVar aggregate classification (germline): Uncertain significance (3 of 4 stars; one submission).

Conditions:
Glanzmann thrombasthenia. Also called: PLATELET GLYCOPROTEIN IIb-IIIa DEFICIENCY; BLEEDING DISORDER, PLATELET-TYPE, 2; THROMBASTHENIA OF GLANZMANN AND NAEGELI; Thrombasthenia; Glanzmann's thrombasthenia. Identifiers: Orphanet 849, MedGen C0040015, MONDO:0100326.

Submission:

ClinGen Platelet Disorders Variant Curation Expert Panel, ClinGen
Classification: Uncertain significance for Glanzmann thrombasthenia. Last evaluated: 2025-04-15. Review status: reviewed by expert panel. Criteria: ClinGen Platelet ACMG Specifications v2-1. Collection method: curation. Allele origin: germline. Inheritance: Autosomal recessive inheritance.
Comment: The NM_000419.5(ITGA2B):c.2842-1G>C variant occurs within the canonical splice acceptor site of intron 27. It is predicted to cause skipping of biologically-relevant-exon 28, resulting in an in-frame deletion of 34 amino acids (Arg948_Gln981del), removing 3% of the protein (PVS1_moderate). The study of platelet GPIIb mRNA by RT-PCR confirmed an exon 28 skipping in this patient (PMID: 11798398). GT type I patient MMc (PMID: 11798398) is homozygous for this variant (PM3_supporting). This variant is absent from gnomAD v4.1 (PM2_Supporting). In summary, this variant meets the criteria to be classified as uncertain significance for autosomal recessive Glanzmann Thrombasthenia based on the ACMG/AMP criteria applied, as specified by the ClinGen PD VCEP: PVS1_moderate, PM2_supporting, PM3_supporting.

NM_000419.5(ITGA2B):c.2842-1G>C

Gene: ITGA2B (integrin subunit alpha 2b; minus strand). Cytogenetic location: 17q21.31.
Variant type: single nucleotide variant.
Coding change: c.2842-1G>C on transcript NM_000419.5 (MANE Select); the canonical splice acceptor site of the intron before coding-DNA position 2842, G replaced by C.
Molecular consequence: splice acceptor variant.
Genome position (GRCh38, 1-based): chr17:44,374,761, C>G on the plus strand (G>C on the coding strand, the complement: ITGA2B is on the minus strand). VCF-style: chr17-44374761-C-G. GRCh37 (hg19) VCF-style: chr17-42452129-C-G.
Other names: NM_000419.5:c.2842-1G>C.
Identifiers: ClinVar variation 1879019 (VCV001879019.2), dbSNP rs2510072799, ClinGen allele CA399791378.